The following is an entry in ClinVar:

ClinVar aggregate classification (germline): Uncertain significance (1 of 4 stars; one submission).

Conditions:
Familial adenomatous polyposis 1 (FAP1). Also called: FAMILIAL ADENOMATOUS POLYPOSIS 1, ATTENUATED; POLYPOSIS, ADENOMATOUS INTESTINAL. Identifiers: MedGen C2713442, MONDO:0021056, OMIM 175100. Disease mechanism: loss of function.

Submission:

Labcorp Genetics (formerly Invitae), Labcorp
Classification: Uncertain significance for Familial adenomatous polyposis 1. Last evaluated: 2023-10-05. Review status: criteria provided, single submitter. Criteria: Invitae Variant Classification Sherloc (09022015). Collection method: clinical testing. Allele origin: germline.
Comment: This sequence change replaces serine, which is neutral and polar, with cysteine, which is neutral and slightly polar, at codon 1148 of the APC protein (p.Ser1148Cys). This variant is not present in population databases (gnomAD no frequency). This variant has not been reported in the literature in individuals affected with APC-related conditions. Advanced modeling of protein sequence and biophysical properties (such as structural, functional, and spatial information, amino acid conservation, physicochemical variation, residue mobility, and thermodynamic stability) performed at Invitae indicates that this missense variant is not expected to disrupt APC protein function. In summary, the available evidence is currently insufficient to determine the role of this variant in disease. Therefore, it has been classified as a Variant of Uncertain Significance.

NM_000038.6(APC):c.3443C>G (p.Ser1148Cys)

Gene: APC (APC regulator of Wnt signaling pathway; plus strand). Cytogenetic location: 5q22.2.
Variant type: single nucleotide variant.
Coding change: c.3443C>G on transcript NM_000038.6 (MANE Select); coding-DNA position 3443, C replaced by G.
Protein change: p.Ser1148Cys; replaces serine 1148 with cysteine.
Molecular consequence: missense variant. On other transcripts: non-coding transcript variant (2).
Genome position (GRCh38, 1-based): chr5:112,839,037, C>G. VCF-style: chr5-112839037-C-G. GRCh37 (hg19) VCF-style: chr5-112174734-C-G.
Other names: c.3443C>G, p.Ser1148Cys (NM_001127510.3, NM_001354895.2, NM_001407450.1); c.3389C>G, p.Ser1130Cys (NM_001127511.3); c.3497C>G, p.Ser1166Cys (NM_001354896.2, NM_001407447.1, NM_001407448.1 and 1 more transcripts); c.3473C>G, p.Ser1158Cys (NM_001354897.2); c.3368C>G, p.Ser1123Cys (NM_001354898.2); c.3359C>G, p.Ser1120Cys (NM_001354899.2); c.3320C>G, p.Ser1107Cys (NM_001354900.2); c.3266C>G, p.Ser1089Cys (NM_001354901.2, NM_001407453.1); and 11 more; short protein forms S1123C, S1148C, S865C, S1022C, S1047C, S1065C, S1120C, S1130C.
Identifiers: ClinVar variation 2778837 (VCV002778837.3), dbSNP rs2149892020, ClinGen allele CA16028882.
Genomic context (GRCh38, chr5:112,839,037, plus strand): 5'-CTTTGTGTCAAGAAGATGACTATGAAGATGATAAGCCTACCAATTATAGTGAACGTTACT[C>G]TGAAGAAGAACAGCATGAAGAAGAAGAGAGACCAACAAATTATAGCATAAAATATAATGA-3'
Protein context (NP_000029.2, residues 1138-1158): DKPTNYSERY[Ser1148Cys]EEEQHEEEER